The following is an entry in ClinVar:

ClinVar aggregate classification (germline): Pathogenic (1 of 4 stars; one submission).

Conditions:
Intellectual developmental disorder, autosomal dominant 30, with speech delay and behavioral abnormalities. Also called: Intellectual disability, autosomal dominant 30. Identifiers: Orphanet 436151, MedGen C4015167, MONDO:0014486, OMIM 616083.

Submission:

Institute of Human Genetics, University of Leipzig Medical Center
Classification: Pathogenic for Intellectual developmental disorder, autosomal dominant 30, with speech delay and behavioral abnormalities. Last evaluated: 2025-01-20. Review status: criteria provided, single submitter. Criteria: ACMG Guidelines, 2015. Collection method: clinical testing. Allele origin: paternal. Inheritance: Autosomal dominant inheritance. Affected: yes.
Comment: Criteria applied: PVS1,PM2

NM_001370100.5(ZMYND11):c.121_122del (p.Met41fs)

Gene: ZMYND11 (zinc finger MYND-type containing 11; plus strand). Cytogenetic location: 10p15.3.
Variant type: Microsatellite.
Coding change: c.121_122del on transcript NM_001370100.5 (MANE Select); coding-DNA positions 121 to 122, 2 bases deleted (AT; older notation c.121_122delAT).
Protein change: p.Met41fs; shifts the reading frame from methionine 41.
Molecular consequence: frameshift variant. On other transcripts: initiator codon variant (2), non-coding transcript variant (1), intron variant (1).
Genome position (GRCh38, 1-based): chr10:209,893-209,894, AT deleted; deleting any 2 consecutive bases within chr10:209,890-209,894 gives the same sequence; the c. name uses the placement nearest the transcript's 3' end. VCF-style (leftmost placement, unchanged base first): chr10-209889-GTA-G. GRCh37 (hg19) VCF-style: chr10-255829-GTA-G.
Other names: c.121_122del, p.Met41fs (NM_001202464.3, NM_001202465.3, NM_001202466.3 and 24 more transcripts); c.70_71del, p.Met24fs (NM_001330057.3, NM_001370112.2, NM_001370123.2); c.55_56del, p.Met19fs (NM_001370116.2, NM_001370120.2); c.-2AT[1], p.Met1fs (NM_001370118.2, NM_001370121.2); c.-33-26945_-33-26944del (NM_001370124.3); short protein forms M19fs, M1fs, M24fs, M41fs.
Identifiers: ClinVar variation 3773685 (VCV003773685.3).